The following is an entry in ClinVar:

NM_004836.7(EIF2AK3):c.2918C>T (p.Thr973Ile)

Genes: EIF2AK3 (eukaryotic translation initiation factor 2 alpha kinase 3; minus strand), EIF2AK3-AS1 (EIF2AK3 antisense RNA 1; plus strand). Cytogenetic location: 2p11.2.
Variant type: single nucleotide variant.
Coding change: c.2918C>T on transcript NM_004836.7 (MANE Select); coding-DNA position 2918, C replaced by T.
Protein change: p.Thr973Ile; replaces threonine 973 with isoleucine.
Molecular consequence: missense variant.
Genome position (GRCh38, 1-based): chr2:88,570,941, G>A on the plus strand (C>T on the coding strand, the complement: EIF2AK3 is on the minus strand). VCF-style: chr2-88570941-G-A. GRCh37 (hg19) VCF-style: chr2-88870459-G-A.
Other names: c.2465C>T, p.Thr822Ile (NM_001313915.2); c.2918C>T (NM_004836.5); short protein forms T973I, T822I.
Identifiers: ClinVar variation 1958947 (VCV001958947.3), dbSNP rs758759825, ClinGen allele CA1754373.

ClinVar aggregate classification (germline): Uncertain significance. Review status: criteria provided, multiple submitters, no conflicts (2 of 4 stars). 2 submissions from 2 submitters: Uncertain significance (2). Last evaluated 2024-12-17.

Conditions:
Inborn genetic diseases. Identifiers: MedGen C0950123, MeSH D030342.

Allele frequency attached by ClinVar (database versions not stated): gnomAD 0.00001; gnomAD exomes 0.00001; TOPMed 0.00002; ExAC 0.00003.
gnomAD v4.1: 13 of 1,614,006 alleles (0.00081%); highest among the groups gnomAD compares: Admixed American, 0.0033%; no homozygotes.

Submissions (2):

Ambry Genetics
Classification: Uncertain significance for Inborn genetic diseases. Last evaluated: 2024-12-17. Review status: criteria provided, single submitter. Criteria: Ambry Variant Classification Scheme 2023. Collection method: clinical testing. Allele origin: germline.

Labcorp Genetics (formerly Invitae), Labcorp
Classification: Uncertain significance. Last evaluated: 2021-12-19. Review status: criteria provided, single submitter. Criteria: Invitae Variant Classification Sherloc (09022015). Collection method: clinical testing. Allele origin: germline.
Comment: This sequence change replaces threonine, which is neutral and polar, with isoleucine, which is neutral and non-polar, at codon 973 of the EIF2AK3 protein (p.Thr973Ile). This variant is present in population databases (rs758759825, gnomAD 0.003%). This variant has not been reported in the literature in individuals affected with EIF2AK3-related conditions. Algorithms developed to predict the effect of missense changes on protein structure and function are either unavailable or do not agree on the potential impact of this missense change (SIFT: "Deleterious"; PolyPhen-2: "Possibly Damaging"; Align-GVGD: "Class C0"). In summary, the available evidence is currently insufficient to determine the role of this variant in disease. Therefore, it has been classified as a Variant of Uncertain Significance.